The following is an entry in ClinVar:

ClinVar aggregate classification (germline): Pathogenic. Review status: criteria provided, multiple submitters, no conflicts (2 of 4 stars). 6 submissions from 6 submitters: Pathogenic (4). 2 of the submissions do not count toward it. Last evaluated 2025-04-17.

Conditions:
TMEM67-related disorder. Also called: TMEM67-related disorders; TMEM67-related condition. Identifiers: MedGen CN239423.
Bardet-Biedl syndrome 14 (BBS14). Identifiers: Orphanet 110, MedGen C2673874, MONDO:0014442, OMIM 615991.
Nephronophthisis 11 (NPHP11). Identifiers: Orphanet 84081, MedGen C3150796, MONDO:0013302, OMIM 613550.
Joubert syndrome 6 (JBTS6). Identifiers: Orphanet 475, MedGen C1853153, MONDO:0012539, OMIM 610688.
COACH syndrome 1. Identifiers: Orphanet 1454, MedGen C5435651, MONDO:0800103, OMIM 216360, MONDO:0008996.
Meckel syndrome, type 3 (MKS3). Also called: MECKEL-GRUBER SYNDROME, TYPE 3. Identifiers: Orphanet 564, MedGen C1846357, MONDO:0011821, OMIM 607361.
RHYNS syndrome. Also called: RETINITIS PIGMENTOSA SYNDROME; RETINITIS PIGMENTOSA, HYPOPITUITARISM, NEPHRONOPHTHISIS, AND MILD SKELETAL DYSPLASIA. Identifiers: Orphanet 140976, MedGen C1865794, MONDO:0011202, OMIM 602152.
Joubert syndrome. Also called: JOUBERT-BOLTSHAUSER SYNDROME; Familial aplasia of the vermis. Identifiers: Orphanet 475, MedGen C5979921, MONDO:0018772.
Meckel-Gruber syndrome. Also called: Dysencephalia splachnocystica; GRUBER SYNDROME; DYSENCEPHALIA SPLANCHNOCYSTICA. Identifiers: Orphanet 564, MedGen C0265215, MONDO:0018921.

Allele frequency attached by ClinVar (database versions not stated): gnomAD exomes below 0.00001 and 0.00001.

Submissions (6):

Labcorp Genetics (formerly Invitae), Labcorp
Classification: Pathogenic for Joubert syndrome; Meckel-Gruber syndrome. Last evaluated: 2025-04-17. Review status: criteria provided, single submitter. Criteria: Invitae Variant Classification Sherloc (09022015). Collection method: clinical testing. Allele origin: germline.
Comment: This sequence change creates a premature translational stop signal (p.Gly195Aspfs*27) in the TMEM67 gene. It is expected to result in an absent or disrupted protein product. Loss-of-function variants in TMEM67 are known to be pathogenic (PMID: 20232449, 23559409). This variant is present in population databases (rs386834203, gnomAD 0.006%). This premature translational stop signal has been observed in individual(s) with Meckel–Gruber syndrome (PMID: 17377820, 34032358). ClinVar contains an entry for this variant (Variation ID: 56784). For these reasons, this variant has been classified as Pathogenic.

Blueprint Genetics
Classification: Pathogenic for TMEM67-related disorders. Last evaluated: 2019-12-17. Review status: criteria provided, single submitter. Criteria: ACMG Guidelines, 2015. Collection method: clinical testing. Allele origin: germline. Affected: yes. Observed: 3 variant alleles.

Institute of Human Genetics Munich, TUM University Hospital
Classification: Pathogenic for Meckel syndrome, type 3. Last evaluated: 2018-05-23. Review status: criteria provided, single submitter. Criteria: Classification criteria August 2017. Collection method: clinical testing. Allele origin: maternal. Inheritance: Autosomal recessive inheritance. Affected: yes. Observed: 1 compound heterozygote.

Juno Genomics, Hangzhou Juno Genomics, Inc
Classification: Pathogenic for RHYNS syndrome; Bardet-Biedl syndrome 14; COACH syndrome 1; Joubert syndrome 6; Meckel syndrome, type 3; Nephronophthisis 11. Review status: criteria provided, single submitter. Criteria: ACMG Guidelines, 2015. Collection method: clinical testing. Allele origin: germline.
Comment: Absent from controls (or at extremely low frequency if recessive) in Genome Aggregation Database.;Null variant in a gene where loss of function (LOF) is a known mechanism of disease.;For recessive disorders, detected in trans with a pathogenic variant.

PreventionGenetics, part of Exact Sciences
Classification: Pathogenic for TMEM67-related condition. Last evaluated: 2024-06-12. Review status: no assertion criteria provided. Collection method: clinical testing. Allele origin: germline. Not counted in ClinVar's aggregate classification.
Comment: The TMEM67 c.579delA variant is predicted to result in a frameshift and premature protein termination (p.Gly195Aspfs*27). This variant was reported in the compound heterozygous state in at least two individuals with Meckel syndrome (Consugar et al. 2007. PubMed ID: 17377820; Hu et al. 2021. PubMed ID: 34032358). This variant is reported in 0.0054% of alleles in individuals of East Asian descent in gnomAD. Frameshift variants in TMEM67 are expected to be pathogenic. This variant is interpreted as pathogenic.

Juha Muilu Group; Institute for Molecular Medicine Finland (FIMM)
Classification: Likely pathogenic for Meckel syndrome type 3. Review status: no assertion criteria provided. Collection method: not provided. Allele origin: unknown. Not counted in ClinVar's aggregate classification.
Comment: FinDis database variant: This variant was not found or characterized by our laboratory, data were collected from public sources: see reference
ClinVar note: Converted during submission from probable-pathogenic to Likely pathogenic.

Literature cited by the submitters: PubMed 20232449 (cited by Labcorp Genetics (formerly Invitae), Labcorp); PubMed 23559409 (cited by Labcorp Genetics (formerly Invitae), Labcorp); PubMed 17377820 (cited by Labcorp Genetics (formerly Invitae), Labcorp); PubMed 34032358 (cited by Labcorp Genetics (formerly Invitae), Labcorp).

NM_153704.6(TMEM67):c.579del (p.Gly195fs)

Gene: TMEM67 (transmembrane protein 67; plus strand). Cytogenetic location: 8q22.1.
Variant type: Deletion.
Coding change: c.579del on transcript NM_153704.6 (MANE Select); coding-DNA position 579, one base deleted (A; older notation c.579delA).
Protein change: p.Gly195fs; shifts the reading frame from glycine 195.
Molecular consequence: frameshift variant. On other transcripts: non-coding transcript variant (1).
Genome position (GRCh38, 1-based): chr8:93,765,574, A deleted. VCF-style (leftmost placement, unchanged base first): chr8-93765573-CA-C. GRCh37 (hg19) VCF-style: chr8-94777801-CA-C.
Other names: c.336del, p.Gly114fs (NM_001142301.1); c.579delA (NM_153704.5); short protein forms G114fs, G195fs.
Identifiers: ClinVar variation 56784 (VCV000056784.16), dbSNP rs386834203, ClinGen allele CA144493.